The following is an entry in ClinVar:

NM_001367721.1(CASK):c.1314+5_1314+8del

Gene: CASK (calcium/calmodulin dependent serine protein kinase; minus strand). Cytogenetic location: Xp11.4.
Variant type: Microsatellite.
Coding change: c.1314+5_1314+8del on transcript NM_001367721.1 (MANE Select); bases 5 to 8 of the intron after coding-DNA position 1314, 4 bases deleted (GTAA; older notation c.1314+5_1314+8delGTAA).
Molecular consequence: splice donor variant.
Genome position (GRCh38, 1-based): chrX:41,586,899-41,586,902, TTAC deleted on the plus strand (GTAA on the coding strand, the reverse complement: CASK is on the minus strand); deleting any 4 consecutive bases within chrX:41,586,899-41,586,906 gives the same sequence; the c. name uses the placement nearest the transcript's 3' end. VCF-style (leftmost placement, unchanged base first): chrX-41586898-ATTAC-A. GRCh37 (hg19) VCF-style: chrX-41446151-ATTAC-A.
Other names: c.1296+5_1296+8del (NM_001126055.3, NM_001410745.1); c.1314+5_1314+8del (NM_001126054.3, NM_003688.4).
Identifiers: ClinVar variation 1103717 (VCV001103717.9), dbSNP rs772325722, ClinGen allele CA10390224.

ClinVar aggregate classification (germline): Conflicting classifications of pathogenicity. Review status: criteria provided, conflicting classifications (1 of 4 stars). 2 submissions from 2 submitters: Uncertain significance (1); Likely benign (1). Last evaluated 2024-10-31.

Conditions:
Intellectual disability, CASK-related, X-linked. Identifiers: MedGen CN043158.

Submissions (2):

Labcorp Genetics (formerly Invitae), Labcorp
Classification: Likely benign for Intellectual disability, CASK-related, X-linked. Last evaluated: 2024-10-31. Review status: criteria provided, single submitter. Criteria: Invitae Variant Classification Sherloc (09022015). Collection method: clinical testing. Allele origin: germline.

GeneDx
Classification: Uncertain significance. Last evaluated: 2022-05-13. Review status: criteria provided, single submitter. Criteria: GeneDx Variant Classification Process June 2021. Collection method: clinical testing. Allele origin: germline. Affected: yes.
Comment: Intronic +5 splice site variant in a gene for which loss of function is a known mechanism of disease, and both splice predictors and evolutionary conservation support a deleterious effect, although in the absence of functional evidence the actual effect of this sequence change is unknown.; Has not been previously published as pathogenic or benign to our knowledge